The following is an entry in ClinVar:

NM_001873.4(CPE):c.821A>C (p.Asp274Ala)

Gene: CPE (carboxypeptidase E; plus strand). Cytogenetic location: 4q32.3.
Variant type: single nucleotide variant.
Coding change: c.821A>C on transcript NM_001873.4 (MANE Select); coding-DNA position 821, A replaced by C.
Protein change: p.Asp274Ala; replaces aspartic acid 274 with alanine.
Molecular consequence: missense variant.
Genome position (GRCh38, 1-based): chr4:165,484,452, A>C. VCF-style: chr4-165484452-A-C. GRCh37 (hg19) VCF-style: chr4-166405604-A-C.
Other names: short protein forms D274A.
Identifiers: ClinVar variation 4997114 (VCV004997114.1).

ClinVar aggregate classification (germline): Uncertain significance (1 of 4 stars; one submission).

Conditions:
CPE-related disorder. Also called: CPE-related condition.

gnomAD v4.1: 1 of 1,613,926 alleles (0.000062%); highest among the groups gnomAD compares: Non-Finnish European, 0.000085%; no homozygotes.

Submission:

PreventionGenetics, part of Exact Sciences
Classification: Uncertain significance for CPE-related condition. Last evaluated: 2026-04-07. Review status: criteria provided, single submitter. Criteria: ACMG Guidelines, 2015. Collection method: clinical testing. Allele origin: germline.
Comment: The CPE c.821A>C variant is predicted to result in the amino acid substitution p.Asp274Ala. To our knowledge, this variant has not been reported in the literature. This variant is reported in 0.00088% of alleles in individuals of European (Non-Finnish) descent in gnomAD. At this time, the clinical significance of this variant is uncertain due to the absence of conclusive functional and genetic evidence.